The following is an entry in ClinVar:

ClinVar aggregate classification (germline): Uncertain significance (1 of 4 stars; one submission).

Submission:

Labcorp Genetics (formerly Invitae), Labcorp
Classification: Uncertain significance. Last evaluated: 2022-02-02. Review status: criteria provided, single submitter. Criteria: Invitae Variant Classification Sherloc (09022015). Collection method: clinical testing. Allele origin: germline.
Comment: Algorithms developed to predict the effect of missense changes on protein structure and function are either unavailable or do not agree on the potential impact of this missense change (SIFT: "Not Available"; PolyPhen-2: "Probably Damaging"; Align-GVGD: "Not Available"). In summary, the available evidence is currently insufficient to determine the role of this variant in disease. Therefore, it has been classified as a Variant of Uncertain Significance. This variant has not been reported in the literature in individuals affected with UNC80-related conditions. This variant is not present in population databases (gnomAD no frequency). This sequence change replaces serine, which is neutral and polar, with arginine, which is basic and polar, at codon 1433 of the UNC80 protein (p.Ser1433Arg).

NM_001371986.1(UNC80):c.4495A>C (p.Ser1499Arg)

Gene: UNC80 (unc-80 subunit of NALCN channel complex; plus strand). Cytogenetic location: 2q34.
Variant type: single nucleotide variant.
Coding change: c.4495A>C on transcript NM_001371986.1 (MANE Select); coding-DNA position 4495, A replaced by C.
Protein change: p.Ser1499Arg; replaces serine 1499 with arginine.
Molecular consequence: missense variant.
Genome position (GRCh38, 1-based): chr2:209,896,327, A>C. VCF-style: chr2-209896327-A-C. GRCh37 (hg19) VCF-style: chr2-210761051-A-C.
Other names: c.4297A>C, p.Ser1433Arg (NM_032504.2); c.4282A>C, p.Ser1428Arg (NM_182587.4); short protein forms S1428R, S1499R, S1433R.
Identifiers: ClinVar variation 1405563 (VCV001405563.8), dbSNP rs2124918491, ClinGen allele CA350751824.